The following is an entry in ClinVar:

ClinVar aggregate classification (germline): Uncertain significance (1 of 4 stars; one submission).

Submission:

Greenwood Genetic Center Diagnostic Laboratories, Greenwood Genetic Center
Classification: Uncertain significance. Last evaluated: 2023-09-13. Review status: criteria provided, single submitter. Criteria: ACMG Guidelines, 2015. Collection method: clinical testing. Allele origin: germline. Affected: yes.
Comment: PM2, PP3

NM_016219.5(MAN1B1):c.1722C>G (p.Phe574Leu)

Gene: MAN1B1 (mannosidase alpha class 1B member 1; plus strand). Cytogenetic location: 9q34.3.
Variant type: single nucleotide variant.
Coding change: c.1722C>G on transcript NM_016219.5 (MANE Select); coding-DNA position 1722, C replaced by G.
Protein change: p.Phe574Leu; replaces phenylalanine 574 with leucine.
Molecular consequence: missense variant. On other transcripts: non-coding transcript variant (2).
Genome position (GRCh38, 1-based): chr9:137,107,405, C>G. VCF-style: chr9-137107405-C-G. GRCh37 (hg19) VCF-style: chr9-140001857-C-G.
Other names: c.1614C>G, p.Phe538Leu (NM_007230.1); short protein forms F538L, F574L.
Identifiers: ClinVar variation 2626940 (VCV002626940.1), dbSNP rs1351862870, ClinGen allele CA375657950.